The following is an entry in ClinVar:

ClinVar aggregate classification (germline): Uncertain significance (0 of 4 stars; one submission).

Conditions:
TNRC6B-related disorder. Also called: TNRC6B-related condition.

gnomAD v4.1: 1 of 1,613,914 alleles (0.000062%); highest among the groups gnomAD compares: East Asian, 0.0022%; no homozygotes.

Submission:

PreventionGenetics, part of Exact Sciences
Classification: Uncertain significance for TNRC6B-related condition. Last evaluated: 2024-08-28. Review status: no assertion criteria provided. Collection method: clinical testing. Allele origin: germline.
Comment: The TNRC6B c.3316G>A variant is predicted to result in the amino acid substitution p.Asp1106Asn. This variant was reported to be maternally-inherited in an individual with an autism spectrum disorder phenotype (Table S2, Guo et al 2018. PubMed ID: 30564305). This variant is reported in 0.0056% of alleles in individuals of East Asian descent in gnomAD. At this time, the clinical significance of this variant is uncertain due to the absence of conclusive functional and genetic evidence.

NM_001162501.2(TNRC6B):c.3316G>A (p.Asp1106Asn)

Gene: TNRC6B (trinucleotide repeat containing adaptor 6B; plus strand). Cytogenetic location: 22q13.1.
Variant type: single nucleotide variant.
Coding change: c.3316G>A on transcript NM_001162501.2 (MANE Select); coding-DNA position 3316, G replaced by A.
Protein change: p.Asp1106Asn; replaces aspartic acid 1106 with asparagine.
Molecular consequence: missense variant.
Genome position (GRCh38, 1-based): chr22:40,280,048, G>A. VCF-style: chr22-40280048-G-A. GRCh37 (hg19) VCF-style: chr22-40676052-G-A.
Other names: c.1075G>A, p.Asp359Asn (NM_001024843.2); c.3157G>A, p.Asp1053Asn (NM_015088.3); short protein forms D1053N, D1106N, D359N.
Identifiers: ClinVar variation 3356855 (VCV003356855.1).